The following is an entry in ClinVar:

ClinVar aggregate classification (germline): Likely pathogenic (1 of 4 stars; one submission).

Conditions:
Dilated cardiomyopathy 1G (CMD1G). Identifiers: Orphanet 154, MedGen C1858763, MONDO:0011400, OMIM 604145.
Autosomal recessive limb-girdle muscular dystrophy type 2J (LGMDR10). Also called: Limb-girdle muscular dystrophy, type 2J; MUSCULAR DYSTROPHY, LIMB-GIRDLE, AUTOSOMAL RECESSIVE 10. Identifiers: Orphanet 140922, MedGen C1837342, MONDO:0012127, OMIM 608807.

Submission:

Labcorp Genetics (formerly Invitae), Labcorp
Classification: Likely pathogenic for Dilated cardiomyopathy 1G; Autosomal recessive limb-girdle muscular dystrophy type 2J. Last evaluated: 2024-04-09. Review status: criteria provided, single submitter. Criteria: Invitae Variant Classification Sherloc (09022015). Collection method: clinical testing. Allele origin: germline.
Comment: This sequence change creates a premature translational stop signal (p.His595Profs*4) in the TTN gene. While this is not anticipated to result in nonsense mediated decay, it is expected to create a truncated TTN protein. This variant is not present in population databases (gnomAD no frequency). This variant has not been reported in the literature in individuals affected with TTN-related conditions. Algorithms developed to predict the effect of sequence changes on RNA splicing suggest that this variant may disrupt the consensus splice site. This variant is located in the Z band of TTN (PMID: 25589632). Truncating variants in this region have been reported in individuals affected with autosomal recessive centronuclear myopathy (PMID: 33449170, Invitae internal data). Truncating variants in this region have also been identified in individuals affected with autosomal dominant dilated cardiomyopathy and/or cardio-related conditions (PMID: 27869827, 32964742, Invitae internal data). In summary, the currently available evidence indicates that the variant is pathogenic, but additional data are needed to prove that conclusively. Therefore, this variant has been classified as Likely Pathogenic.

Literature cited by the submitters: PubMed 25589632; PubMed 33449170; PubMed 27869827; PubMed 32964742.

NM_001267550.2(TTN):c.1784_1785del (p.His595fs)

Gene: TTN (titin; minus strand). Cytogenetic location: 2q31.2.
Variant type: Deletion.
Coding change: c.1784_1785del on transcript NM_001267550.2 (MANE Select); coding-DNA positions 1784 to 1785, 2 bases deleted (AC; older notation c.1784_1785delAC).
Protein change: p.His595fs; shifts the reading frame from histidine 595.
Molecular consequence: frameshift variant. On other transcripts: intron variant (3).
Genome position (GRCh38, 1-based): chr2:178,790,723-178,790,724, GT deleted on the plus strand (AC on the coding strand, the reverse complement: TTN is on the minus strand); deleting any 2 consecutive bases within chr2:178,790,723-178,790,725 gives the same sequence; the c. name uses the placement nearest the transcript's 3' end. VCF-style (leftmost placement, unchanged base first): chr2-178790722-GGT-G. GRCh37 (hg19) VCF-style: chr2-179655449-GGT-G.
Other names: c.1784_1785del, p.His595fs (NM_001256850.1, NM_133378.4, NM_133379.5); c.1663-609_1663-608del (NM_003319.4, NM_133437.4, NM_133432.3); short protein forms H595fs.
Identifiers: ClinVar variation 3755774 (VCV003755774.2).